The following is an entry in ClinVar:

NM_000642.3(AGL):c.2135T>C (p.Leu712Pro)

Gene: AGL (amylo-alpha-1,6-glucosidase and 4-alpha-glucanotransferase; plus strand). Cytogenetic location: 1p21.2.
Variant type: single nucleotide variant.
Coding change: c.2135T>C on transcript NM_000642.3 (MANE Select); coding-DNA position 2135, T replaced by C.
Protein change: p.Leu712Pro; replaces leucine 712 with proline.
Molecular consequence: missense variant.
Genome position (GRCh38, 1-based): chr1:99,881,425, T>C. VCF-style: chr1-99881425-T-C. GRCh37 (hg19) VCF-style: chr1-100346981-T-C.
Other names: c.2135T>C, p.Leu712Pro (NM_000028.3, NM_000643.3, NM_000644.3 and 2 more transcripts); c.2087T>C, p.Leu696Pro (NM_000646.3); c.1934T>C, p.Leu645Pro (NM_001425327.1); c.1931T>C, p.Leu644Pro (NM_001425328.1, NM_001425329.1); c.1757T>C, p.Leu586Pro (NM_001425332.1); short protein forms L696P, L712P, L586P, L644P, L645P.
Identifiers: ClinVar variation 1364138 (VCV001364138.3), dbSNP rs2100759804, ClinGen allele CA341319383.

ClinVar aggregate classification (germline): Uncertain significance (1 of 4 stars; one submission).

Conditions:
Glycogen storage disease type III (GSD3). Also called: FORBES DISEASE; Cori disease. Identifiers: Orphanet 366, MedGen C0017922, MONDO:0009291, OMIM 232400.

Submission:

Labcorp Genetics (formerly Invitae), Labcorp
Classification: Uncertain significance for Glycogen storage disease type III. Last evaluated: 2021-11-05. Review status: criteria provided, single submitter. Criteria: Invitae Variant Classification Sherloc (09022015). Collection method: clinical testing. Allele origin: germline.
Comment: This sequence change replaces leucine, which is neutral and non-polar, with proline, which is neutral and non-polar, at codon 712 of the AGL protein (p.Leu712Pro). This variant is not present in population databases (gnomAD no frequency). This variant has not been reported in the literature in individuals affected with AGL-related conditions. Algorithms developed to predict the effect of missense changes on protein structure and function are either unavailable or do not agree on the potential impact of this missense change (SIFT: "Deleterious"; PolyPhen-2: "Probably Damaging"; Align-GVGD: "Class C0"). In summary, the available evidence is currently insufficient to determine the role of this variant in disease. Therefore, it has been classified as a Variant of Uncertain Significance.